The following is an entry in ClinVar:

NM_006918.5(SC5D):c.223C>T (p.Arg75Ter)

Gene: SC5D (sterol-C5-desaturase; plus strand). Cytogenetic location: 11q24.1.
Variant type: single nucleotide variant.
Coding change: c.223C>T on transcript NM_006918.5 (MANE Select); coding-DNA position 223, C replaced by T.
Protein change: p.Arg75Ter; replaces arginine 75 with a stop codon.
Molecular consequence: nonsense.
Genome position (GRCh38, 1-based): chr11:121,304,373, C>T. VCF-style: chr11-121304373-C-T. GRCh37 (hg19) VCF-style: chr11-121175082-C-T.
Other names: c.223C>T, p.Arg75Ter (NM_001024956.3); short protein forms R75*.
Identifiers: ClinVar variation 638393 (VCV000638393.8), dbSNP rs1313359281, ClinGen allele CA383027082.

ClinVar aggregate classification (germline): Conflicting classifications of pathogenicity. Review status: criteria provided, conflicting classifications (1 of 4 stars). 2 submissions from 2 submitters: Pathogenic (1); Uncertain significance (1). Last evaluated 2022-07-09.

Conditions:
Lathosterolosis. Also called: SC5D DEFICIENCY; STEROL C5-DESATURASE DEFICIENCY. Identifiers: Orphanet 46059, MedGen C1846421, MONDO:0011816, OMIM 607330.

Allele frequency attached by ClinVar (database versions not stated): gnomAD exomes 0.00001; TOPMed 0.00001.
gnomAD v4.1: 2 of 1,613,308 alleles (0.00012%); highest among the groups gnomAD compares: Non-Finnish European, 0.00017%; no homozygotes.

Submissions (2):

Labcorp Genetics (formerly Invitae), Labcorp
Classification: Uncertain significance. Last evaluated: 2022-07-09. Review status: criteria provided, single submitter. Criteria: Invitae Variant Classification Sherloc (09022015). Collection method: clinical testing. Allele origin: germline.
Comment: In summary, the available evidence is currently insufficient to determine the role of this variant in disease. Therefore, it has been classified as a Variant of Uncertain Significance. ClinVar contains an entry for this variant (Variation ID: 638393). This variant has not been reported in the literature in individuals affected with SC5D-related conditions. This variant is present in population databases (no rsID available, gnomAD 0.002%). This sequence change creates a premature translational stop signal (p.Arg75*) in the SC5D gene. It is expected to result in an absent or disrupted protein product. However, the current clinical and genetic evidence is not sufficient to establish whether loss-of-function variants in SC5D cause disease.

Genomic Research Center, Shahid Beheshti University of Medical Sciences
Classification: Pathogenic for Lathosterolosis. Last evaluated: 2019-04-27. Review status: criteria provided, single submitter. Criteria: ACMG Guidelines, 2015. Collection method: clinical testing. Allele origin: unknown. Affected: no.